The following is an entry in ClinVar:

NM_020988.3(GNAO1):c.976G>A (p.Ala326Thr)

Gene: GNAO1 (G protein subunit alpha o1; plus strand). Cytogenetic location: 16q13.
Variant type: single nucleotide variant.
Coding change: c.976G>A on transcript NM_020988.3 (MANE Select); coding-DNA position 976, G replaced by A.
Protein change: p.Ala326Thr; replaces alanine 326 with threonine.
Molecular consequence: missense variant.
Genome position (GRCh38, 1-based): chr16:56,354,964, G>A. VCF-style: chr16-56354964-G-A. GRCh37 (hg19) VCF-style: chr16-56388876-G-A.
Other names: short protein forms A326T.
Identifiers: ClinVar variation 4292315 (VCV004292315.1).
Genomic context (GRCh38, chr16:56,354,964, plus strand): 5'-GCACAATTTGAAAGCAAAAACCGCTCACCCAACAAAGAAATATATTGTCACATGACTTGT[G>A]CCACAGACACGAATAACATCCAGGTGGTGTTCGACGCCGTCACCGACATCATCATTGCCA-3'
Protein context (NP_066268.1, residues 316-336): NKEIYCHMTC[Ala326Thr]TDTNNIQVVF

ClinVar aggregate classification (germline): Uncertain significance (1 of 4 stars; one submission).

Conditions:
Developmental and epileptic encephalopathy, 17 (DEE17). Also called: Early infantile epileptic encephalopathy 17. Identifiers: Orphanet 1934, MedGen C3809606, MONDO:0014199, OMIM 615473.

Submission:

3billion
Classification: Uncertain significance for Developmental and epileptic encephalopathy, 17. Last evaluated: 2024-10-10. Review status: criteria provided, single submitter. Criteria: ACMG Guidelines, 2015. Collection method: clinical testing. Allele origin: germline. Affected: yes.
Comment: The variant is not observed in the gnomAD v4.1.0 dataset. Predicted Consequence/Location: Missense variant. Missense changes are a common disease-causing mechanism. In silico tool predictions suggest damaging effect of the variant on gene or gene product [REVEL: 0.85 (>=0.6, sensitivity 0.68 and specificity 0.92); 3Cnet: 0.99 (>=0.6, sensitivity 0.72 and precision 0.9)]. Therefore, this variant is classified as VUS according to the recommendation of ACMG/AMP guideline.